The following is an entry in ClinVar:

NM_201384.3(PLEC):c.10471C>T (p.Arg3491Cys)

Gene: PLEC (plectin; minus strand). Cytogenetic location: 8q24.3.
Variant type: single nucleotide variant.
Coding change: c.10471C>T on transcript NM_201384.3 (MANE Select); coding-DNA position 10471, C replaced by T.
Protein change: p.Arg3491Cys; replaces arginine 3491 with cysteine.
Molecular consequence: missense variant.
Genome position (GRCh38, 1-based): chr8:143,919,350, G>A on the plus strand (C>T on the coding strand, the complement: PLEC is on the minus strand). VCF-style: chr8-143919350-G-A. GRCh37 (hg19) VCF-style: chr8-144993518-G-A.
Other names: c.10552C>T, p.Arg3518Cys (NM_000445.5); c.10429C>T, p.Arg3477Cys (NM_201378.4); c.10405C>T, p.Arg3469Cys (NM_201379.3); c.10882C>T, p.Arg3628Cys (NM_201380.4); c.10375C>T, p.Arg3459Cys (NM_201381.3); c.10471C>T, p.Arg3491Cys (NM_201382.4); c.10483C>T, p.Arg3495Cys (NM_201383.3); c.10552C>T (NM_000445.3); short protein forms R3491C, R3495C, R3518C, R3628C, R3459C, R3469C, R3477C.
Identifiers: ClinVar variation 1063682 (VCV001063682.8), dbSNP rs766953306, ClinGen allele CA4924641.
Genomic context (GRCh38, chr8:143,919,350, plus strand): 5'-CCTTGGTGTCGTCGCTGGGGTCCGCCAGGACGCGGTTCATCTCCTCACTGAAGTAGCCGC[G>A]CTGGTAGGCCACGTCCACAGGCACGCGGTGGCTGTGCACGGGGTCGATGATGCCGCCCGT-3'
Protein context (NP_958786.1, residues 3481-3501): HRVPVDVAYQ[Arg3491Cys]GYFSEEMNRV

ClinVar aggregate classification (germline): Uncertain significance. Review status: criteria provided, multiple submitters, no conflicts (2 of 4 stars). 2 submissions from 2 submitters: Uncertain significance (2). Last evaluated 2025-01-07.

Conditions:
Epidermolysis bullosa simplex with nail dystrophy (EBS5D). Identifiers: MedGen C4225309, MONDO:0014661, OMIM 616487.
Epidermolysis bullosa simplex 5C, with pyloric atresia (EBS5C). Also called: PLEC-Related Epidermolysis Bullosa with Pyloric Atresia; Epidermolysis bullosa simplex with pyloric atresia; PLEC1-Related Epidermolysis Bullosa with Pyloric Atresia. Identifiers: Orphanet 158684, MedGen C2677349, MONDO:0012807, OMIM 612138.
Epidermolysis bullosa simplex 5B, with muscular dystrophy (EBS5B). Also called: Epidermolysis bullosa simplex with muscular dystrophy; EPIDERMOLYSIS BULLOSA SIMPLEX AND LIMB-GIRDLE MUSCULAR DYSTROPHY. Identifiers: Orphanet 257, MedGen C2931072, MONDO:0009181, OMIM 226670.
Epidermolysis bullosa simplex, Ogna type (EBS5A). Also called: Pidermolysis bullosa simplex 5A, Ogna type; EPIDERMOLYSIS BULLOSA SIMPLEX 5A, OGNA TYPE. Identifiers: Orphanet 79401, MedGen C0432317, MONDO:0007555, OMIM 131950.
Autosomal recessive limb-girdle muscular dystrophy type 2Q (LGMDR17). Also called: MUSCULAR DYSTROPHY, LIMB-GIRDLE, AUTOSOMAL RECESSIVE 17. Identifiers: Orphanet 254361, MedGen C3150989, MONDO:0013390, OMIM 613723.
Inborn genetic diseases. Identifiers: MedGen C0950123, MeSH D030342.

Allele frequency attached by ClinVar (database versions not stated): gnomAD exomes below 0.00001 and 0.00003; ExAC 0.00001; TOPMed 0.00002; gnomAD 0.00003.
gnomAD v4.1: 43 of 1,613,786 alleles (0.0027%); highest among the groups gnomAD compares: Admixed American, 0.0033%; no homozygotes.

Submissions (2):

Labcorp Genetics (formerly Invitae), Labcorp
Classification: Uncertain significance for Autosomal recessive limb-girdle muscular dystrophy type 2Q; Epidermolysis bullosa simplex, Ogna type; Epidermolysis bullosa simplex with nail dystrophy; Epidermolysis bullosa simplex 5C, with pyloric atresia; Epidermolysis bullosa simplex 5B, with muscular dystrophy. Last evaluated: 2025-01-07. Review status: criteria provided, single submitter. Criteria: Invitae Variant Classification Sherloc (09022015). Collection method: clinical testing. Allele origin: germline.
Comment: This sequence change replaces arginine, which is basic and polar, with cysteine, which is neutral and slightly polar, at codon 3518 of the PLEC protein (p.Arg3518Cys). This variant is present in population databases (rs766953306, gnomAD 0.007%). This variant has not been reported in the literature in individuals affected with PLEC-related conditions. ClinVar contains an entry for this variant (Variation ID: 1063682). Invitae Evidence Modeling of protein sequence and biophysical properties (such as structural, functional, and spatial information, amino acid conservation, physicochemical variation, residue mobility, and thermodynamic stability) indicates that this missense variant is not expected to disrupt PLEC protein function with a negative predictive value of 80%. In summary, the available evidence is currently insufficient to determine the role of this variant in disease. Therefore, it has been classified as a Variant of Uncertain Significance.

Ambry Genetics
Classification: Uncertain significance for Inborn genetic diseases. Last evaluated: 2023-10-30. Review status: criteria provided, single submitter. Criteria: Ambry Variant Classification Scheme 2023. Collection method: clinical testing. Allele origin: germline.